The following is an entry in ClinVar:

NM_000245.4(MET):c.2911_2912insGAGT (p.Tyr971Ter)

Gene: MET (MET proto-oncogene, receptor tyrosine kinase; plus strand). Cytogenetic location: 7q31.2.
Variant type: Insertion.
Coding change: c.2911_2912insGAGT on transcript NM_000245.4 (MANE Select); coding-DNA positions 2911 to 2912, GAGT inserted.
Protein change: p.Tyr971Ter; replaces tyrosine 971 with a stop codon.
Molecular consequence: nonsense.
Genome position: GRCh38 VCF-style: chr7-116771871-C-CTGAG. GRCh37 (hg19) VCF-style: chr7-116411925-C-CTGAG.
Other names: c.2965_2966insGAGT, p.Tyr989Ter (NM_001127500.3); c.1621_1622insGAGT, p.Tyr541Ter (NM_001324402.2); short protein forms Y989*, Y971*, Y541*.
Identifiers: ClinVar variation 2732940 (VCV002732940.3), dbSNP rs2485778592, ClinGen allele CA2697557557.
Genomic context (GRCh38, chr7:116,771,871, plus strand): 5'-CCGTCTTTAACAAGCTCTTTCTTTCTCTCTGTTTTAAGATCTGGGCAGTGAATTAGTTCG[C>CTGAG]TACGATGCAAGAGTACACACTCCTCATTTGGATAGGCTTGTAAGTGCCCGAAGTGTAAGC-3'

ClinVar aggregate classification (germline): Uncertain significance (1 of 4 stars; one submission).

Conditions:
Renal cell carcinoma. Identifiers: Orphanet 217071, MedGen C0007134, MeSH D002292, MONDO:0005086, HP:0005584.

Submission:

Labcorp Genetics (formerly Invitae), Labcorp
Classification: Uncertain significance for Renal cell carcinoma. Last evaluated: 2023-09-06. Review status: criteria provided, single submitter. Criteria: Invitae Variant Classification Sherloc (09022015). Collection method: clinical testing. Allele origin: germline.
Comment: This sequence change creates a premature translational stop signal (p.Tyr989*) in the MET gene. It is expected to result in an absent or disrupted protein product. However, the current clinical and genetic evidence is not sufficient to establish whether loss-of-function variants in MET cause disease. In summary, the available evidence is currently insufficient to determine the role of this variant in disease. Therefore, it has been classified as a Variant of Uncertain Significance. This variant has not been reported in the literature in individuals affected with MET-related conditions. This variant is not present in population databases (gnomAD no frequency).